The following is an entry in ClinVar:

NM_001378454.1(ALMS1):c.12073G>A (p.Gly4025Ser)

Genes: ALMS1 (ALMS1 centrosome and basal body associated protein; plus strand), LOC126806252 (BRD4-independent group 4 enhancer GRCh37_chr2:73828496-73829695; plus strand). Cytogenetic location: 2p13.1.
Variant type: single nucleotide variant.
Coding change: c.12073G>A on transcript NM_001378454.1 (MANE Select); coding-DNA position 12073, G replaced by A.
Protein change: p.Gly4025Ser; replaces glycine 4025 with serine.
Molecular consequence: missense variant.
Genome position (GRCh38, 1-based): chr2:73,601,395, G>A. VCF-style: chr2-73601395-G-A. GRCh37 (hg19) VCF-style: chr2-73828522-G-A.
Other names: c.12076G>A, p.Gly4026Ser (NM_015120.4); short protein forms G4026S, G4025S.
Identifiers: ClinVar variation 4994392 (VCV004994392.1).

ClinVar aggregate classification (germline): Uncertain significance (1 of 4 stars; one submission).

Conditions:
ALMS1-related disorder. Also called: ALMS1-related condition.

gnomAD v4.1: 1 of 1,614,068 alleles (0.000062%); highest among the groups gnomAD compares: Non-Finnish European, 0.000085%; no homozygotes.

Submission:

PreventionGenetics, part of Exact Sciences
Classification: Uncertain significance for ALMS1-related condition. Last evaluated: 2026-04-06. Review status: criteria provided, single submitter. Criteria: ACMG Guidelines, 2015. Collection method: clinical testing. Allele origin: germline.
Comment: The ALMS1 c.12076G>A variant is predicted to result in the amino acid substitution p.Asp4026Asn. To our knowledge, this variant has not been reported in the literature or in a large population database (gnomAD), indicating this variant is rare. At this time, the clinical significance of this variant is uncertain due to the absence of conclusive functional and genetic evidence.